The following is an entry in ClinVar:

NM_001122630.2(CDKN1C):c.548C>T (p.Pro183Leu)

Gene: CDKN1C (cyclin dependent kinase inhibitor 1C; minus strand). Cytogenetic location: 11p15.4.
Variant type: single nucleotide variant.
Coding change: c.548C>T on transcript NM_001122630.2 (MANE Select); coding-DNA position 548, C replaced by T.
Protein change: p.Pro183Leu; replaces proline 183 with leucine.
Molecular consequence: missense variant. On other transcripts: intron variant (1).
Genome position (GRCh38, 1-based): chr11:2,884,909, G>A on the plus strand (C>T on the coding strand, the complement: CDKN1C is on the minus strand). VCF-style: chr11-2884909-G-A. GRCh37 (hg19) VCF-style: chr11-2906139-G-A.
Other names: c.581C>T, p.Pro194Leu (NM_000076.2, NM_001362474.2); c.548C>T, p.Pro183Leu (NM_001122631.2); c.255+293C>T (NM_001362475.2); short protein forms P194L, P183L.
Identifiers: ClinVar variation 1396930 (VCV001396930.8), dbSNP rs1458423964, ClinGen allele CA379146415.
Genomic context (GRCh38, chr11:2,884,909, plus strand): 5'-GGGGCCGGGGCGGGGGCCGGGGCCGGGGCCGGGGCCGGGGCTGGGGCCGGGGCCGCGACT[G>A]GAGCCGGGGCCGGAGCCGGAGCCGGAGCCGGGGCCGGGGCCGGGGCCAGGACCGCGACCG-3'
Protein context (NP_001116102.1, residues 173-193): PAPAPAPAPA[Pro183Leu]VAAPAPAPAP

ClinVar aggregate classification (germline): Uncertain significance (1 of 4 stars; one submission).

Conditions:
Beckwith-Wiedemann syndrome (BWS). Also called: EMG SYNDROME; Exomphalos macroglossia gigantism syndrome. Identifiers: Orphanet 116, MedGen C0004903, MONDO:0007534, OMIM 130650.

Allele frequency attached by ClinVar (database versions not stated): gnomAD exomes below 0.00001; TOPMed below 0.00001; gnomAD 0.00001.

Submission:

Labcorp Genetics (formerly Invitae), Labcorp
Classification: Uncertain significance for Beckwith-Wiedemann syndrome. Last evaluated: 2025-06-03. Review status: criteria provided, single submitter. Criteria: Invitae Variant Classification Sherloc (09022015). Collection method: clinical testing. Allele origin: germline.
Comment: This sequence change replaces proline, which is neutral and non-polar, with leucine, which is neutral and non-polar, at codon 194 of the CDKN1C protein (p.Pro194Leu). The frequency data for this variant in the population databases is considered unreliable, as metrics indicate insufficient coverage at this position in the gnomAD database. This variant has not been reported in the literature in individuals affected with CDKN1C-related conditions. ClinVar contains an entry for this variant (Variation ID: 1396930). Invitae Evidence Modeling of protein sequence and biophysical properties (such as structural, functional, and spatial information, amino acid conservation, physicochemical variation, residue mobility, and thermodynamic stability) indicates that this missense variant is not expected to disrupt CDKN1C protein function with a negative predictive value of 80%. In summary, the available evidence is currently insufficient to determine the role of this variant in disease. Therefore, it has been classified as a Variant of Uncertain Significance.